The following is an entry in ClinVar:

NM_001190737.2(NFIB):c.816del (p.Thr274fs)

Gene: NFIB (nuclear factor I B; minus strand). Cytogenetic location: 9p23.
Variant type: Deletion.
Coding change: c.816del on transcript NM_001190737.2 (MANE Select); coding-DNA position 816, one base deleted (C; older notation c.816delC).
Protein change: p.Thr274fs; shifts the reading frame from threonine 274.
Molecular consequence: frameshift variant. On other transcripts: non-coding transcript variant (4).
Genome position (GRCh38, 1-based): chr9:14,146,798, G deleted on the plus strand (C on the coding strand, the reverse complement: NFIB is on the minus strand); the first of 3 consecutive G bases (chr9:14,146,798-14,146,800); deleting any one gives the same sequence. VCF-style (leftmost placement, unchanged base first): chr9-14146797-TG-T. GRCh37 (hg19) VCF-style: chr9-14146796-TG-T.
Other names: c.894del, p.Thr300fs (NM_001190738.2); c.60del, p.Thr22fs (NM_001282787.2); c.882del, p.Thr296fs (NM_001369458.1, NM_001369459.1, NM_001369462.1 and 1 more transcripts); c.804del, p.Thr270fs (NM_001369460.1, NM_001369463.1, NM_001369466.1 and 2 more transcripts); c.816del, p.Thr274fs (NM_001369461.1, NM_001369464.1, NM_001369471.1 and 2 more transcripts); c.789del, p.Thr265fs (NM_001369465.1, NM_001369467.1, NM_001369476.1); c.672del, p.Thr226fs (NM_001369469.1); c.579del, p.Thr195fs (NM_001369470.1, NM_001369478.1); and 4 more; short protein forms T195fs, T199fs, T226fs, T22fs, T256fs, T265fs, T269fs, T270fs.
Identifiers: ClinVar variation 3377174 (VCV003377174.1).
Genomic context (GRCh38, chr9:14,146,797, plus strand): 5'-GAGAGGGGTAAAAGTCTCCTGTAGGACTTGGTTCCATATTTTCATCTATGGATATAGTTT[TG>T]GGTCTTTTGCTGTTAAAATATGGCAATAGTTATATTAATGGGATTTCTGGGAAGATGTGT-3'

ClinVar aggregate classification (germline): Pathogenic (1 of 4 stars; one submission).

Conditions:
Macrocephaly, acquired, with impaired intellectual development. Also called: MACROCEPHALY, ACQUIRED, WITH MENTAL RETARDATION. Identifiers: MedGen C4748993, MONDO:0032658, OMIM 618286.

Submission:

Victorian Clinical Genetics Services, Murdoch Childrens Research Institute
Classification: Pathogenic for Macrocephaly, acquired, with impaired intellectual development. Last evaluated: 2024-10-09. Review status: criteria provided, single submitter. Criteria: ACMG Guidelines, 2015. Collection method: clinical testing. Allele origin: germline. Inheritance: Autosomal dominant inheritance. Affected: yes.
Comment: Based on the classification scheme VCGS_Germline_v1.3.4, this variant is classified as Pathogenic. Following criteria are met: 0102 - Loss of function is a known mechanism of disease in this gene and is associated with macrocephaly, acquired, with impaired intellectual development (MIM#618286). (I) 0107 - This gene is associated with autosomal dominant disease. (I) 0201 - Variant is predicted to cause nonsense-mediated decay (NMD) and loss of protein (premature termination codon is located at least 54 nucleotides upstream of the final exon-exon junction). (SP) 0251 - This variant is heterozygous. (I) 0301 - Variant is absent from gnomAD (v2, v3, and v4). (SP) 0701 - Other NMD-predicted variants comparable to the one identified in this case have very strong previous evidence for pathogenicity (DECIPHER). (SP) 0807 - This variant has no previous evidence of pathogenicity. (I) 0905 - No published segregation evidence has been identified for this variant. (I) 1007 - No published functional evidence has been identified for this variant. (I) 1208 - Inheritance information for this variant is not currently available in this individual. (I) Legend: (SP) - Supporting pathogenic, (I) - Information, (SB) - Supporting benign